The following is an entry in ClinVar:

ClinVar aggregate classification (germline): Uncertain significance (1 of 4 stars; one submission).

Conditions:
UCP3-related disorder. Also called: UCP3-related condition.

Submission:

PreventionGenetics, part of Exact Sciences
Classification: Uncertain significance for UCP3-related condition. Last evaluated: 2026-07-24. Review status: criteria provided, single submitter. Criteria: ACMG Guidelines, 2015. Collection method: clinical testing. Allele origin: germline.
Comment: The UCP3 c.704C>T variant is predicted to result in the amino acid substitution p.Ala235Val. To our knowledge, this variant has not been reported in the literature or in a large population database (gnomAD), indicating this variant is rare. At this time, the clinical significance of this variant is uncertain due to the absence of conclusive functional and genetic evidence.

NM_003356.4(UCP3):c.704C>T (p.Ala235Val)

Gene: UCP3 (uncoupling protein 3; minus strand). Cytogenetic location: 11q13.4.
Variant type: single nucleotide variant.
Coding change: c.704C>T on transcript NM_003356.4 (MANE Select); coding-DNA position 704, C replaced by T.
Protein change: p.Ala235Val; replaces alanine 235 with valine.
Molecular consequence: missense variant.
Genome position (GRCh38, 1-based): chr11:74,003,947, G>A on the plus strand (C>T on the coding strand, the complement: UCP3 is on the minus strand). VCF-style: chr11-74003947-G-A. GRCh37 (hg19) VCF-style: chr11-73714992-G-A.
Other names: c.704C>T, p.Ala235Val (NM_022803.3); short protein forms A235V.
Identifiers: ClinVar variation 4991399 (VCV004991399.1).